The following is an entry in ClinVar:

NM_152383.5(DIS3L2):c.557T>C (p.Leu186Pro)

Gene: DIS3L2 (DIS3 like 3'-5' exoribonuclease 2; plus strand). Cytogenetic location: 2q37.1.
Variant type: single nucleotide variant.
Coding change: c.557T>C on transcript NM_152383.5 (MANE Select); coding-DNA position 557, T replaced by C.
Protein change: p.Leu186Pro; replaces leucine 186 with proline.
Molecular consequence: missense variant. On other transcripts: non-coding transcript variant (2).
Genome position (GRCh38, 1-based): chr2:232,087,677, T>C. VCF-style: chr2-232087677-T-C. GRCh37 (hg19) VCF-style: chr2-232952387-T-C.
Other names: c.557T>C, p.Leu186Pro (NM_001257281.2, NM_001257282.2); short protein forms L186P.
Identifiers: ClinVar variation 2158567 (VCV002158567.4), dbSNP rs2469750233, ClinGen allele CA351155244.
Genomic context (GRCh38, chr2:232,087,677, plus strand): 5'-TAGAGGCTCAGTTTGATGGCAGCGACTCAGAAGATGGACATGGCATCACACAAAATGTGC[T>C]GGTTGATGGTGTTAAGAAACTCTCAGTTTGTGTTTCTGAGAAAGGTGAGTACTAGACTAT-3'
Protein context (NP_689596.4, residues 176-196): EDGHGITQNV[Leu186Pro]VDGVKKLSVC

ClinVar aggregate classification (germline): Uncertain significance (1 of 4 stars; one submission).

Conditions:
Perlman syndrome (PRLMNS). Identifiers: Orphanet 2849, MedGen C0796113, MONDO:0009965, OMIM 267000.

Submission:

Labcorp Genetics (formerly Invitae), Labcorp
Classification: Uncertain significance for Perlman syndrome. Last evaluated: 2022-01-18. Review status: criteria provided, single submitter. Criteria: Invitae Variant Classification Sherloc (09022015). Collection method: clinical testing. Allele origin: germline.
Comment: In summary, the available evidence is currently insufficient to determine the role of this variant in disease. Therefore, it has been classified as a Variant of Uncertain Significance. Algorithms developed to predict the effect of missense changes on protein structure and function are either unavailable or do not agree on the potential impact of this missense change (SIFT: "Tolerated"; PolyPhen-2: "Possibly Damaging"; Align-GVGD: "Class C0"). This variant has not been reported in the literature in individuals affected with DIS3L2-related conditions. This variant is not present in population databases (gnomAD no frequency). This sequence change replaces leucine, which is neutral and non-polar, with proline, which is neutral and non-polar, at codon 186 of the DIS3L2 protein (p.Leu186Pro).